The following is an entry in ClinVar:

ClinVar aggregate classification (germline): Pathogenic (1 of 4 stars; one submission).

Submission:

CeGaT Center for Human Genetics Tuebingen
Classification: Pathogenic. Last evaluated: 2023-11-01. Review status: criteria provided, single submitter. Criteria: CeGaT Center For Human Genetics Tuebingen Variant Classification Criteria Version 2. Collection method: clinical testing. Allele origin: germline. Affected: yes. Observed: 1 variant allele.
Comment: FBN1: PVS1, PM2

NM_000138.5(FBN1):c.1911_1915del (p.Cys637fs)

Gene: FBN1 (fibrillin 1; minus strand). Cytogenetic location: 15q21.1.
Variant type: Deletion.
Coding change: c.1911_1915del on transcript NM_000138.5 (MANE Select); coding-DNA positions 1911 to 1915, 5 bases deleted (TGAAT; older notation c.1911_1915delTGAAT).
Protein change: p.Cys637fs; shifts the reading frame from cysteine 637.
Molecular consequence: frameshift variant.
Genome position (GRCh38, 1-based): chr15:48,505,070-48,505,074, ATTCA deleted on the plus strand (TGAAT on the coding strand, the reverse complement: FBN1 is on the minus strand). VCF-style (leftmost placement, unchanged base first): chr15-48505069-CATTCA-C. GRCh37 (hg19) VCF-style: chr15-48797266-CATTCA-C.
Other names: c.1911_1915del, p.Cys637fs (NM_001406716.1); short protein forms C637fs.
Identifiers: ClinVar variation 2672588 (VCV002672588.23), dbSNP rs2505594848, ClinGen allele CA2695197286.